The following is an entry in ClinVar:

ClinVar aggregate classification (germline): Benign (1 of 4 stars; one submission).

Conditions:
Autoimmune lymphoproliferative syndrome type 2A (ALPS2A). Also called: Autoimmune lymphoproliferative syndrome type 2; CASP10-Related Autoimmune Lymphoproliferative Syndrome; AUTOIMMUNE LYMPHOPROLIFERATIVE SYNDROME, TYPE IIA. Identifiers: Orphanet 3261, MedGen C1858968, MONDO:0011383, OMIM 603909.

Allele frequency attached by ClinVar (database versions not stated): gnomAD exomes 0.00002; TOPMed 0.00006; 1000 Genomes Project 30x 0.00062; gnomAD 0.00068 and 0.00070; 1000 Genomes Project 0.00100.
gnomAD v4.1: 118 of 984,024 alleles (0.012%); highest among the groups gnomAD compares: East Asian, 0.011%; 1 homozygote.

Submission:

Illumina Laboratory Services, Illumina
Classification: Benign for Autoimmune lymphoproliferative syndrome type 2A. Last evaluated: 2018-01-13. Review status: criteria provided, single submitter. Criteria: ICSL Variant Classification Criteria 13 December 2019. Collection method: clinical testing. Allele origin: germline.
Comment: This variant was observed in the ICSL laboratory as part of a predisposition screen in an ostensibly healthy population. It had not been previously curated by ICSL or reported in the Human Gene Mutation Database (HGMD: prior to June 1st, 2018), and was therefore a candidate for classification through an automated scoring system. Utilizing variant allele frequency, disease prevalence and penetrance estimates, and inheritance mode, an automated score was calculated to assess if this variant is too frequent to cause the disease. Based on the score and internal cut-off values, a variant classified as benign is not then subjected to further curation. The score for this variant resulted in a classification of benign for this disease.

NM_032977.4(CASP10):c.*1914C>T

Gene: CASP10 (caspase 10; plus strand). Cytogenetic location: 2q33.1.
Variant type: single nucleotide variant.
Coding change: c.*1914C>T on transcript NM_032977.4 (MANE Select); 1914 bases downstream of the stop codon, C replaced by T.
Molecular consequence: 3 prime UTR variant. On other transcripts: intron variant (2).
Genome position (GRCh38, 1-based): chr2:201,219,655, C>T. VCF-style: chr2-201219655-C-T. GRCh37 (hg19) VCF-style: chr2-202084378-C-T.
Other names: c.*1914C>T (NM_001206524.2, NM_001230.5); c.*2569C>T (NM_032976.4); c.1416-9278C>T (NM_032974.5); c.1287-9278C>T (NM_001206542.2).
Identifiers: ClinVar variation 897450 (VCV000897450.4), dbSNP rs185318287, ClinGen allele CA63873616.